The following is an entry in ClinVar:

NM_023110.3(FGFR1):c.2350C>T (p.Arg784Trp)

Gene: FGFR1 (fibroblast growth factor receptor 1; minus strand). Cytogenetic location: 8p11.23.
Variant type: single nucleotide variant.
Coding change: c.2350C>T on transcript NM_023110.3 (MANE Select); coding-DNA position 2350, C replaced by T.
Protein change: p.Arg784Trp; replaces arginine 784 with tryptophan.
Molecular consequence: missense variant. On other transcripts: intron variant (3).
Genome position (GRCh38, 1-based): chr8:38,413,747, G>A on the plus strand (C>T on the coding strand, the complement: FGFR1 is on the minus strand). VCF-style: chr8-38413747-G-A. GRCh37 (hg19) VCF-style: chr8-38271265-G-A.
Other names: c.2344C>T, p.Arg782Trp (NM_001174063.2, NM_001174065.2, NM_015850.4); c.2320C>T, p.Arg774Trp (NM_001174064.2); c.2083C>T, p.Arg695Trp (NM_001174066.2, NM_023105.3); c.2443C>T, p.Arg815Trp (NM_001174067.2); c.2077C>T, p.Arg693Trp (NM_023106.3); c.2019+171C>T (NM_001354370.2); c.2286+171C>T (NM_001354367.2); c.2280+171C>T (NM_001354369.2); and 1 more; short protein forms R691W, R695W, R774W, R782W, R784W, R693W, R815W.
Identifiers: ClinVar variation 1036826 (VCV001036826.6), dbSNP rs377149398, ClinGen allele CA175137748.

ClinVar aggregate classification (germline): Uncertain significance. Review status: criteria provided, multiple submitters, no conflicts (2 of 4 stars). 2 submissions from 2 submitters: Uncertain significance (2). Last evaluated 2024-12-16.

Conditions:
Hypogonadotropic hypogonadism 2 with or without anosmia (HH2). Also called: FGFR1-Related GnRH Deficiency (Kallmann Syndrome 2); HYPOGONADOTROPIC HYPOGONADISM 2 WITHOUT ANOSMIA; HYPOGONADOTROPIC HYPOGONADISM 2 WITH OR WITHOUT ANOSMIA, SUSCEPTIBILITY TO; HYPOGONADOTROPIC HYPOGONADISM 2 WITHOUT ANOSMIA, SUSCEPTIBILITY TO. Identifiers: Orphanet 478, MedGen C1563720, MONDO:0007844, OMIM 147950. Disease mechanism: loss of function.
Pfeiffer syndrome (ACS5). Also called: ACS V. Identifiers: Orphanet 710, MedGen C0220658, MONDO:0007043, OMIM 101600.
Jackson-Weiss syndrome (JWS). Also called: CRANIOSYNOSTOSIS, MIDFACIAL HYPOPLASIA, AND FOOT ABNORMALITIES. Identifiers: Orphanet 1540, MedGen C0795998, MONDO:0007400, OMIM 123150. Disease mechanism: loss of function.
Trigonocephaly 1 (TRIGNO1). Identifiers: Orphanet 3366, MedGen C0432122, MONDO:0008603, OMIM 190440.
Hartsfield-Bixler-Demyer syndrome (HRTFDS). Also called: Holoprosencephaly, ectrodactyly, and bilateral cleft lip/palate; Hartsfield syndrome; FGFR1-Related Hartsfield Syndrome. Identifiers: Orphanet 2117, MedGen C1845146, MONDO:0014196, OMIM 615465. Disease mechanism: loss of function.
Osteoglophonic dysplasia (OGD). Also called: Osteoglophonic dwarfism. Identifiers: Orphanet 2645, MedGen C0432283, MONDO:0008150, OMIM 166250.
Encephalocraniocutaneous lipomatosis (ECCL). Identifiers: Orphanet 2396, MedGen C0406612, MONDO:0013074, OMIM 613001.

Allele frequency attached by ClinVar (database versions not stated): gnomAD exomes below 0.00001 and 0.00001; gnomAD 0.00001; TOPMed 0.00001; ESP Exome Variant Server 0.00008.
gnomAD v4.1: 25 of 1,614,028 alleles (0.0015%); highest among the groups gnomAD compares: Non-Finnish European, 0.0018%; no homozygotes.

Submissions (2):

Labcorp Genetics (formerly Invitae), Labcorp
Classification: Uncertain significance for Pfeiffer syndrome; Hypogonadotropic hypogonadism 2 with or without anosmia. Last evaluated: 2024-12-16. Review status: criteria provided, single submitter. Criteria: Invitae Variant Classification Sherloc (09022015). Collection method: clinical testing. Allele origin: germline.
Comment: This sequence change replaces arginine, which is basic and polar, with tryptophan, which is neutral and slightly polar, at codon 784 of the FGFR1 protein (p.Arg784Trp). This variant is present in population databases (rs377149398, gnomAD 0.0009%). This variant has not been reported in the literature in individuals affected with FGFR1-related conditions. ClinVar contains an entry for this variant (Variation ID: 1036826). Invitae Evidence Modeling of protein sequence and biophysical properties (such as structural, functional, and spatial information, amino acid conservation, physicochemical variation, residue mobility, and thermodynamic stability) indicates that this missense variant is not expected to disrupt FGFR1 protein function with a negative predictive value of 80%. In summary, the available evidence is currently insufficient to determine the role of this variant in disease. Therefore, it has been classified as a Variant of Uncertain Significance.

Fulgent Genetics
Classification: Uncertain significance for Pfeiffer syndrome; Jackson-Weiss syndrome; Hypogonadotropic hypogonadism 2 with or without anosmia; Osteoglophonic dysplasia; Trigonocephaly 1; Encephalocraniocutaneous lipomatosis; Hartsfield-Bixler-Demyer syndrome. Last evaluated: 2021-12-07. Review status: criteria provided, single submitter. Criteria: ACMG Guidelines, 2015. Collection method: clinical testing. Allele origin: unknown.